The following is an entry in ClinVar:

ClinVar aggregate classification (germline): Uncertain significance (1 of 4 stars; one submission).

Conditions:
Werner syndrome (WRN). Identifiers: Orphanet 902, MedGen C0043119, MONDO:0010196, OMIM 277700.

Submission:

Labcorp Genetics (formerly Invitae), Labcorp
Classification: Uncertain significance for Werner syndrome. Last evaluated: 2023-10-24. Review status: criteria provided, single submitter. Criteria: Invitae Variant Classification Sherloc (09022015). Collection method: clinical testing. Allele origin: germline.
Comment: This sequence change replaces glutamic acid, which is acidic and polar, with glycine, which is neutral and non-polar, at codon 1097 of the WRN protein (p.Glu1097Gly). This variant is not present in population databases (gnomAD no frequency). This variant has not been reported in the literature in individuals affected with WRN-related conditions. Algorithms developed to predict the effect of missense changes on protein structure and function output the following: SIFT: "Not Available"; PolyPhen-2: "Benign"; Align-GVGD: "Not Available". The glycine amino acid residue is found in multiple mammalian species, which suggests that this missense change does not adversely affect protein function. In summary, the available evidence is currently insufficient to determine the role of this variant in disease. Therefore, it has been classified as a Variant of Uncertain Significance.

NM_000553.6(WRN):c.3290A>G (p.Glu1097Gly)

Gene: WRN (WRN RecQ like helicase; plus strand). Cytogenetic location: 8p12.
Variant type: single nucleotide variant.
Coding change: c.3290A>G on transcript NM_000553.6 (MANE Select); coding-DNA position 3290, A replaced by G.
Protein change: p.Glu1097Gly; replaces glutamic acid 1097 with glycine.
Molecular consequence: missense variant.
Genome position (GRCh38, 1-based): chr8:31,142,682, A>G. VCF-style: chr8-31142682-A-G. GRCh37 (hg19) VCF-style: chr8-31000198-A-G.
Other names: short protein forms E1097G.
Identifiers: ClinVar variation 2795144 (VCV002795144.3), dbSNP rs1347675499, ClinGen allele CA370923461.
Genomic context (GRCh38, chr8:31,142,682, plus strand): 5'-TTAGTTCGAAAACTGTATCTTCGGGCACCAAAGAGCATTGTTATAATCAAGTACCAGTTG[A>G]ATTAAGTACAGAGAAGAAGGTTTGTTTTAAAGAAATTGTTCTGATTTATTTCATTCTTTA-3'
Protein context (NP_000544.2, residues 1087-1107): KEHCYNQVPV[Glu1097Gly]LSTEKKSNLE